The following is an entry in ClinVar:

ClinVar aggregate classification (germline): Benign/Likely benign. Review status: criteria provided, multiple submitters, no conflicts (2 of 4 stars). 15 submissions from 15 submitters: Benign (2); Likely benign (9). 4 of the submissions do not count toward it. Last evaluated 2026-08-01.

Conditions:
Breast and/or ovarian cancer. Identifiers: MedGen CN221562.
Hereditary cancer-predisposing syndrome. Also called: Hereditary neoplastic syndrome; Tumor predisposition; Neoplastic Syndromes, Hereditary; Hereditary Cancer Syndrome. Identifiers: Orphanet 140162, MedGen C0027672, MeSH D009386, MONDO:0015356.
Peutz-Jeghers syndrome (PJS). Also called: POLYPOSIS, HAMARTOMATOUS INTESTINAL; POLYPS-AND-SPOTS SYNDROME; Peutz-Jeghers polyposis; Periorificial lentiginosis syndrome. Identifiers: Orphanet 2869, MedGen C0031269, MeSH D010580, MONDO:0008280, OMIM 175200.
Malignant tumor of breast. Also called: Malignant breast neoplasm; Cancer breast. Identifiers: MedGen C0006142, MONDO:0007254. Disease mechanism: loss of function.

Allele frequency attached by ClinVar (database versions not stated): gnomAD exomes 0.00059 and 0.00065; gnomAD 0.00067 and 0.00068; TOPMed 0.00070; ESP Exome Variant Server 0.00078; ExAC 0.00079; 1000 Genomes Project 0.00080; 1000 Genomes Project 30x 0.00156.

Submissions (15):

CeGaT Center for Human Genetics Tuebingen
Classification: Likely benign. Last evaluated: 2026-08-01. Review status: criteria provided, single submitter. Criteria: CeGaT Center For Human Genetics Tuebingen Variant Classification Criteria Version 2. Collection method: clinical testing. Allele origin: germline. Affected: yes. Observed: 9 variant alleles.
Comment: STK11: BS1

Labcorp Genetics (formerly Invitae), Labcorp
Classification: Benign for Peutz-Jeghers syndrome. Last evaluated: 2026-02-04. Review status: criteria provided, single submitter. Criteria: Invitae Variant Classification Sherloc (09022015). Collection method: clinical testing. Allele origin: germline.

Center for Genomic Medicine, Rigshospitalet, Copenhagen University Hospital
Classification: Likely benign. Last evaluated: 2025-03-04. Review status: criteria provided, single submitter. Criteria: ACMG Guidelines, 2015. Collection method: clinical testing. Allele origin: germline.

Blueprint Genetics
Classification: Likely benign. Last evaluated: 2024-07-22. Review status: criteria provided, single submitter. Criteria: ACMG Guidelines, 2015. Collection method: clinical testing. Allele origin: germline.

CHEO Genetics Diagnostic Laboratory, Children's Hospital of Eastern Ontario
Classification: Likely benign for Breast and/or ovarian cancer. Last evaluated: 2023-05-31. Review status: criteria provided, single submitter. Criteria: ACMG Guidelines, 2015. Collection method: clinical testing. Allele origin: germline.

Genome-Nilou Lab
Classification: Likely benign for Peutz-Jeghers syndrome. Last evaluated: 2021-07-15. Review status: criteria provided, single submitter. Criteria: ACMG Guidelines, 2015. Collection method: clinical testing. Allele origin: germline. Affected: no.

ARUP Laboratories, Molecular Genetics and Genomics, ARUP Laboratories
Classification: Likely benign. Last evaluated: 2021-07-05. Review status: criteria provided, single submitter. Criteria: ARUP Molecular Germline Variant Investigation Process 2021. Collection method: clinical testing. Allele origin: germline.

PreventionGenetics, part of Exact Sciences
Classification: Likely benign. Last evaluated: 2017-10-19. Review status: criteria provided, single submitter. Criteria: ACMG Guidelines, 2015. Collection method: clinical testing. Allele origin: germline.

Color Diagnostics, LLC DBA Color Health
Classification: Likely benign for Hereditary cancer-predisposing syndrome. Last evaluated: 2015-04-01. Review status: criteria provided, single submitter. Criteria: ACMG Guidelines, 2015. Collection method: clinical testing. Allele origin: germline.

Ambry Genetics
Classification: Likely benign for Hereditary cancer-predisposing syndrome. Last evaluated: 2014-11-06. Review status: criteria provided, single submitter. Criteria: Ambry Variant Classification Scheme 2023. Collection method: clinical testing. Allele origin: germline.

GeneDx
Classification: Benign for Neoplastic Syndromes, Hereditary. Last evaluated: 2014-02-21. Review status: criteria provided, single submitter. Criteria: GeneDx Variant Classification (06012015). Collection method: clinical testing. Allele origin: germline. Affected: yes.
Comment: The variant is found in BR-OV-HEREDIC,COLO-HEREDIC panel(s).

Counsyl
Classification: Likely benign for Peutz-Jeghers syndrome. Last evaluated: 2016-07-25. Review status: no assertion criteria provided. Collection method: clinical testing. Allele origin: unknown. Not counted in ClinVar's aggregate classification.

Clinical Genetics, Academic Medical Center
Classification: Likely benign. Review status: no assertion criteria provided. Collection method: clinical testing. Allele origin: germline. Affected: yes. Study: VKGL Data-share Consensus. Not counted in ClinVar's aggregate classification.

Department of Pathology and Laboratory Medicine, Sinai Health System
Classification: Likely benign for Malignant tumor of breast. Review status: no assertion criteria provided. Collection method: clinical testing. Allele origin: unknown. Affected: yes. Study: The Canadian Open Genetics Repository (COGR). Not counted in ClinVar's aggregate classification.
Comment: The STK11 c.597+14delA variant was not identified in the literature nor was it identified in the Cosmic, MutDB, Zhejiang Colon Cancer Database, or Insight Hereditary Tumors Database. The variant was identified in dbSNP (ID: rs536282050) as â€šÃ„ÃºWith Likely benign allele,â€šÃ„Ã¹ ClinVar (as benign by GeneDx and likely benign by Illumina, Counsyl, and Color Genomics), Clinvitae (2x as in ClinVar), and LOVD 3.0 (2x as likely benign) databases. The variant was identified in control databases in 1 of 30810 chromosomes at a frequency of 0.000032 (Genome Aggregation Database Feb 27, 2017). Breakdown of the observations by population include African in 1 of 8678 chromosomes (freq: 0.000115), while the variant was not observed in the Ashkenazi Jewish, East Asian, European (Finnish), European (Non-Finnish), Latino, Other, and South Asian populations. The variant occurs outside of the splicing consensus sequence and in silico or computational prediction software programs (SpliceSiteFinder, MaxEntScan, NNSPLICE, GeneSplicer, HumanSpliceFinder) do not predict a difference in splicing. The variant was identified with a co-occurring pathogenic NBN variant (p.Lys233SerfsX5), increasing the likelihood that the c.597+14delA variant does not have clinical significance. In summary, based on the above information the clinical significance of this variant cannot be determined with certainty at this time although we would lean towards a more benign role for this variant. This variant is classified as likely benign.

Genome Diagnostics Laboratory, Amsterdam University Medical Center
Classification: Likely benign. Review status: no assertion criteria provided. Collection method: clinical testing. Allele origin: germline. Affected: yes. Study: VKGL Data-share Consensus. Not counted in ClinVar's aggregate classification.

NM_000455.5(STK11):c.597+14del

Gene: STK11 (serine/threonine kinase 11; plus strand). Cytogenetic location: 19p13.3.
Variant type: Deletion.
Coding change: c.597+14del on transcript NM_000455.5 (MANE Select); 14 bases into the intron after coding-DNA position 597, one base deleted (A; older notation c.597+14delA).
Molecular consequence: intron variant.
Genome position (GRCh38, 1-based): chr19:1,220,519, A deleted. VCF-style (leftmost placement, unchanged base first): chr19-1220518-TA-T. GRCh37 (hg19) VCF-style: chr19-1220517-TA-T.
Other names: c.597+14del (NM_000455.4); c.597+14delA (NM_000455.5, NM_000455.4).
Identifiers: ClinVar variation 182881 (VCV000182881.57), dbSNP rs536282050, ClinGen allele CA023101.